The following is an entry in ClinVar:

NM_206933.4(USH2A):c.14791+1G>A

Gene: USH2A (usherin; minus strand). Cytogenetic location: 1q41.
Variant type: single nucleotide variant.
Coding change: c.14791+1G>A on transcript NM_206933.4 (MANE Select); the canonical splice donor site of the intron after coding-DNA position 14791, G replaced by A.
Molecular consequence: splice donor variant.
Genome position (GRCh38, 1-based): chr1:215,647,521, C>T on the plus strand (G>A on the coding strand, the complement: USH2A is on the minus strand). VCF-style: chr1-215647521-C-T. GRCh37 (hg19) VCF-style: chr1-215820863-C-T.
Identifiers: ClinVar variation 941269 (VCV000941269.8), dbSNP rs1656892077, ClinGen allele CA344830654.
Genomic context (GRCh38, chr1:215,647,521, plus strand): 5'-CAAGCTTCTCCTGACCACATTCCAATCTCTCTGGCTTATGGTAGCAGCCACTTATACTCA[C>T]ATTCTTTTTGGGTGGTGAAACTGATCCACTCGGAAGCCGTACTGCCCACCTCGTTGTGTG-3'

ClinVar aggregate classification (germline): Pathogenic (1 of 4 stars; one submission).

Submission:

Labcorp Genetics (formerly Invitae), Labcorp
Classification: Pathogenic. Last evaluated: 2022-11-15. Review status: criteria provided, single submitter. Criteria: Invitae Variant Classification Sherloc (09022015). Collection method: clinical testing. Allele origin: germline.
Comment: For these reasons, this variant has been classified as Pathogenic. Algorithms developed to predict the effect of sequence changes on RNA splicing suggest that this variant may disrupt the consensus splice site. This sequence change affects a donor splice site in intron 67 of the USH2A gene. It is expected to disrupt RNA splicing. Variants that disrupt the donor or acceptor splice site typically lead to a loss of protein function (PMID: 16199547), and loss-of-function variants in USH2A are known to be pathogenic (PMID: 10729113, 10909849, 20507924, 25649381). This variant is not present in population databases (gnomAD no frequency). Disruption of this splice site has been observed in individuals with USH2A-related conditions (PMID: 27460420, 29099798, 32675063; Invitae). ClinVar contains an entry for this variant (Variation ID: 941269).

Literature cited by the submitters: PubMed 16199547; PubMed 10729113; PubMed 10909849; PubMed 20507924; PubMed 25649381; PubMed 27460420; PubMed 29099798; PubMed 32675063.